The following is an entry in ClinVar:

NM_198578.4(LRRK2):c.2860T>A (p.Ser954Thr)

Gene: LRRK2 (leucine rich repeat kinase 2; plus strand). Cytogenetic location: 12q12.
Variant type: single nucleotide variant.
Coding change: c.2860T>A on transcript NM_198578.4 (MANE Select); coding-DNA position 2860, T replaced by A.
Protein change: p.Ser954Thr; replaces serine 954 with threonine.
Molecular consequence: missense variant.
Genome position (GRCh38, 1-based): chr12:40,294,896, T>A. VCF-style: chr12-40294896-T-A. GRCh37 (hg19) VCF-style: chr12-40688698-T-A.
Other names: short protein forms S954T.
Identifiers: ClinVar variation 3540633 (VCV003540633.1).

ClinVar aggregate classification (germline): Uncertain significance (1 of 4 stars; one submission).

Conditions:
Inborn genetic diseases. Identifiers: MedGen C0950123, MeSH D030342.

gnomAD v4.1: 2 of 1,545,276 alleles (0.00013%); highest among the groups gnomAD compares: Non-Finnish European, 0.00018%; no homozygotes.

Submission:

Ambry Genetics
Classification: Uncertain significance for Inborn genetic diseases. Last evaluated: 2024-08-18. Review status: criteria provided, single submitter. Criteria: Ambry Variant Classification Scheme 2023. Collection method: clinical testing. Allele origin: germline.
Comment: The p.S954T variant (also known as c.2860T>A), located in coding exon 22 of the LRRK2 gene, results from a T to A substitution at nucleotide position 2860. The serine at codon 954 is replaced by threonine, an amino acid with similar properties. This amino acid position is conserved. In addition, this alteration is predicted to be tolerated by in silico analysis. Based on the available evidence, the clinical significance of this variant remains unclear.